The following is an entry in ClinVar:

ClinVar aggregate classification (germline): Uncertain significance (1 of 4 stars; one submission).

Conditions:
Cardiovascular phenotype. Identifiers: MedGen CN230736.

Submission:

Ambry Genetics
Classification: Uncertain significance for Cardiovascular phenotype. Last evaluated: 2020-10-22. Review status: criteria provided, single submitter. Criteria: Ambry Variant Classification Scheme 2023. Collection method: clinical testing. Allele origin: germline.
Comment: The c.4960delC variant, located in coding exon 33 of the MYH7 gene, results from a deletion of one nucleotide at nucleotide position 4960, causing a translational frameshift with a predicted alternate stop codon (p.Q1654Rfs*14). This alteration is expected to result in premature protein truncation or nonsense-mediated mRNA decay. However, loss of function of MYH7 has not been clearly established as a mechanism of disease. Since supporting evidence is limited at this time, the clinical significance of this alteration remains unclear.

NM_000257.4(MYH7):c.4960del (p.Gln1654fs)

Genes: MHRT (myosin heavy chain associated RNA transcript; plus strand), MYH7 (myosin heavy chain 7; minus strand), LOC126861897 (BRD4-independent group 4 enhancer GRCh37_chr14:23884455-23885654; plus strand). Cytogenetic location: 14q11.2.
Variant type: Deletion.
Coding change: c.4960del on transcript NM_000257.4 (MANE Select); coding-DNA position 4960, one base deleted (C; older notation c.4960delC).
Protein change: p.Gln1654fs; shifts the reading frame from glutamine 1654.
Molecular consequence: frameshift variant. On other transcripts: non-coding transcript variant (1).
Genome position (GRCh38, 1-based): chr14:23,415,826, G deleted on the plus strand (C on the coding strand, the reverse complement: MYH7 is on the minus strand); the first of 3 consecutive G bases (chr14:23,415,826-23,415,828); deleting any one gives the same sequence. VCF-style (leftmost placement, unchanged base first): chr14-23415825-TG-T. GRCh37 (hg19) VCF-style: chr14-23885034-TG-T.
Other names: c.4958delC, p.Gln1654Argfs (NM_001407004.1); c.4960delC (NM_000257.4); short protein forms Q1654fs.
Identifiers: ClinVar variation 1744413 (VCV001744413.2), dbSNP rs2502243269, ClinGen allele CA2580087965.
Genomic context (GRCh38, chr14:23,415,825, plus strand): 5'-ACGATGGCGATGTTCTCCTTCAGGTCGTCGTTGGCACGGACTGCATCGTCCAGCTGAATC[TG>T]GGTGTCCTGAGGATCAGGAGAGTGGGCATGAGCAGGGAGCCAGCCTCGGTTCCCTTCACT-3'